The following is an entry in ClinVar:

ClinVar aggregate classification (germline): Uncertain significance (1 of 4 stars; one submission).

Submission:

Labcorp Genetics (formerly Invitae), Labcorp
Classification: Uncertain significance. Last evaluated: 2021-09-16. Review status: criteria provided, single submitter. Criteria: Invitae Variant Classification Sherloc (09022015). Collection method: clinical testing. Allele origin: germline.
Comment: In summary, the available evidence is currently insufficient to determine the role of this variant in disease. Therefore, it has been classified as a Variant of Uncertain Significance. Algorithms developed to predict the effect of missense changes on protein structure and function (SIFT, PolyPhen-2, Align-GVGD) all suggest that this variant is likely to be tolerated. This variant has not been reported in the literature in individuals affected with RNF13-related conditions. This variant is not present in population databases (ExAC no frequency). This sequence change replaces serine with glycine at codon 352 of the RNF13 protein (p.Ser352Gly). The serine residue is moderately conserved and there is a small physicochemical difference between serine and glycine.

NM_183381.3(RNF13):c.1054A>G (p.Ser352Gly)

Gene: RNF13 (ring finger protein 13; plus strand). Cytogenetic location: 3q25.1.
Variant type: single nucleotide variant.
Coding change: c.1054A>G on transcript NM_183381.3 (MANE Select); coding-DNA position 1054, A replaced by G.
Protein change: p.Ser352Gly; replaces serine 352 with glycine.
Molecular consequence: missense variant. On other transcripts: non-coding transcript variant (1).
Genome position (GRCh38, 1-based): chr3:149,961,012, A>G. VCF-style: chr3-149961012-A-G. GRCh37 (hg19) VCF-style: chr3-149678799-A-G.
Other names: c.1054A>G, p.Ser352Gly (NM_001378285.1, NM_001378286.1, NM_007282.4); c.697A>G, p.Ser233Gly (NM_001378287.1, NM_001378288.1, NM_001378289.1 and 2 more transcripts); c.661A>G, p.Ser221Gly (NM_001378291.1); short protein forms S233G, S221G, S352G.
Identifiers: ClinVar variation 1381538 (VCV001381538.6), dbSNP rs2108622842, ClinGen allele CA354936251.